The following is an entry in ClinVar:

ClinVar aggregate classification (germline): Uncertain significance (1 of 4 stars; one submission).

Allele frequency attached by ClinVar (database versions not stated): ExAC 0.00001; gnomAD 0.00001; TOPMed 0.00001.
gnomAD v4.1: 7 of 1,613,956 alleles (0.00043%); highest among the groups gnomAD compares: Non-Finnish European, 0.00051%; no homozygotes.

Submission:

CeGaT Center for Human Genetics Tuebingen
Classification: Uncertain significance. Last evaluated: 2023-03-01. Review status: criteria provided, single submitter. Criteria: CeGaT Center For Human Genetics Tuebingen Variant Classification Criteria Version 2. Collection method: clinical testing. Allele origin: germline. Affected: yes. Observed: 1 variant allele.
Comment: ARID2: PM2

NM_152641.4(ARID2):c.2437T>A (p.Ser813Thr)

Gene: ARID2 (AT-rich interaction domain 2; plus strand). Cytogenetic location: 12q12.
Variant type: single nucleotide variant.
Coding change: c.2437T>A on transcript NM_152641.4 (MANE Select); coding-DNA position 2437, T replaced by A.
Protein change: p.Ser813Thr; replaces serine 813 with threonine.
Molecular consequence: missense variant.
Genome position (GRCh38, 1-based): chr12:45,850,560, T>A. VCF-style: chr12-45850560-T-A. GRCh37 (hg19) VCF-style: chr12-46244343-T-A.
Other names: c.2437T>A, p.Ser813Thr (NM_001347839.2); short protein forms S813T.
Identifiers: ClinVar variation 2642912 (VCV002642912.24), dbSNP rs761481393, ClinGen allele CA6526334.